The following is an entry in ClinVar:

ClinVar aggregate classification (germline): Uncertain significance (1 of 4 stars; one submission).

Conditions:
Primary ciliary dyskinesia. Also called: Ciliary dyskinesia. Identifiers: Orphanet 244, MedGen C0008780, MONDO:0016575, HP:0012265.

Allele frequency attached by ClinVar (database versions not stated): gnomAD exomes below 0.00001 and 0.00001; ExAC 0.00001.

Submission:

Labcorp Genetics (formerly Invitae), Labcorp
Classification: Uncertain significance for Primary ciliary dyskinesia. Last evaluated: 2022-08-16. Review status: criteria provided, single submitter. Criteria: Invitae Variant Classification Sherloc (09022015). Collection method: clinical testing. Allele origin: germline.
Comment: Advanced modeling of protein sequence and biophysical properties (such as structural, functional, and spatial information, amino acid conservation, physicochemical variation, residue mobility, and thermodynamic stability) performed at Invitae indicates that this missense variant is not expected to disrupt DNAH5 protein function. In summary, the available evidence is currently insufficient to determine the role of this variant in disease. Therefore, it has been classified as a Variant of Uncertain Significance. ClinVar contains an entry for this variant (Variation ID: 1406405). This variant has not been reported in the literature in individuals affected with DNAH5-related conditions. This variant is present in population databases (rs767821520, gnomAD 0.003%). This sequence change replaces methionine, which is neutral and non-polar, with threonine, which is neutral and polar, at codon 1602 of the DNAH5 protein (p.Met1602Thr).

NM_001369.3(DNAH5):c.4805T>C (p.Met1602Thr)

Genes: DNAH5 (dynein axonemal heavy chain 5; minus strand), LOC126807318 (MED14-independent group 3 enhancer GRCh37_chr5:13858976-13860175; plus strand). Cytogenetic location: 5p15.2.
Variant type: single nucleotide variant.
Coding change: c.4805T>C on transcript NM_001369.3 (MANE Select); coding-DNA position 4805, T replaced by C.
Protein change: p.Met1602Thr; replaces methionine 1602 with threonine.
Molecular consequence: missense variant.
Genome position (GRCh38, 1-based): chr5:13,859,597, A>G on the plus strand (T>C on the coding strand, the complement: DNAH5 is on the minus strand). VCF-style: chr5-13859597-A-G. GRCh37 (hg19) VCF-style: chr5-13859706-A-G.
Other names: short protein forms M1602T.
Identifiers: ClinVar variation 1406405 (VCV001406405.18), dbSNP rs767821520, ClinGen allele CA3203870.
Genomic context (GRCh38, chr5:13,859,597, plus strand): 5'-ATGATGTCTGTTGAGTTGGAAAGGTACTGCACCCATTTTTGAATCTGGGCTTTGAATGGC[A>G]TATTGTACCTAAAATAAGAAATAGGTTTAGGGTTTGGTTTTGTTTTTGTTGTGCTGTTGT-3'
Protein context (NP_001360.1, residues 1592-1612): LGSLLSNRYN[Met1602Thr]PFKAQIQKWV